The following is an entry in ClinVar:

ClinVar aggregate classification (germline): Benign/Likely benign. Review status: criteria provided, multiple submitters, no conflicts (2 of 4 stars). 15 submissions from 15 submitters: Benign (3); Likely benign (9). 3 of the submissions do not count toward it. Last evaluated 2026-09-01.

Conditions:
RAD51D-related disorder. Also called: RAD51D-related condition.
Hereditary cancer-predisposing syndrome. Also called: Neoplastic Syndromes, Hereditary; Tumor predisposition; Hereditary neoplastic syndrome; Hereditary Cancer Syndrome. Identifiers: Orphanet 140162, MedGen C0027672, MeSH D009386, MONDO:0015356.
Breast-ovarian cancer, familial, susceptibility to, 4. Identifiers: Orphanet 145, MedGen C3280345, MONDO:0013669, OMIM 614291.

Allele frequency attached by ClinVar (database versions not stated): 1000 Genomes Project 30x 0.00016; 1000 Genomes Project 0.00020; gnomAD exomes 0.00099; TOPMed 0.00113; gnomAD 0.00115 and 0.00123; ESP Exome Variant Server 0.00185; ExAC 0.00195.
gnomAD v4.1: 2,887 of 1,607,540 alleles (0.18%); highest among the groups gnomAD compares: Non-Finnish European, 0.23%; 7 homozygotes.

Submissions (15):

CeGaT Center for Human Genetics Tuebingen
Classification: Likely benign. Last evaluated: 2026-09-01. Review status: criteria provided, single submitter. Criteria: CeGaT Center For Human Genetics Tuebingen Variant Classification Criteria Version 2. Collection method: clinical testing. Allele origin: germline. Affected: yes. Observed: 7 variant alleles.
Comment: RAD51D: BP4, BS1

Center for Genomic Medicine, Rigshospitalet, Copenhagen University Hospital
Classification: Likely benign. Last evaluated: 2025-12-29. Review status: criteria provided, single submitter. Criteria: ACMG Guidelines, 2015. Collection method: clinical testing. Allele origin: germline.
Comment: Classification criteria: BP4, BP7

Dasa
Classification: Likely benign. Last evaluated: 2025-12-29. Review status: criteria provided, single submitter. Criteria: DASA Assertion Criteria. Collection method: clinical testing. Allele origin: germline.
Comment: NM_001142571.2(RAD51D):c.269A>G (p.Asp90Gly) is a missense variant that results in the substitution of aspartic acid with glycine. Multiple computational predictions suggest no deleterious effect on the gene or gene product. The variant is present at low frequency in population datasets. Based on the available data, this variant is classified as likely benign.

ARUP Laboratories, Molecular Genetics and Genomics, ARUP Laboratories
Classification: Likely benign for Breast-ovarian cancer, familial, susceptibility to, 4. Last evaluated: 2025-05-28. Review status: criteria provided, single submitter. Criteria: ARUP Molecular Germline Variant Investigation Process 2024. Collection method: clinical testing. Allele origin: germline.

Blueprint Genetics
Classification: Likely benign. Last evaluated: 2024-11-27. Review status: criteria provided, single submitter. Criteria: ACMG Guidelines, 2015. Collection method: clinical testing. Allele origin: germline.

Labcorp Genetics (formerly Invitae), Labcorp
Classification: Benign for Breast-ovarian cancer, familial, susceptibility to, 4. Last evaluated: 2023-07-17. Review status: criteria provided, single submitter. Criteria: Invitae Variant Classification Sherloc (09022015). Collection method: clinical testing. Allele origin: germline.

Fulgent Genetics
Classification: Likely benign for Breast-ovarian cancer, familial, susceptibility to, 4. Last evaluated: 2021-12-14. Review status: criteria provided, single submitter. Criteria: ACMG Guidelines, 2015. Collection method: clinical testing. Allele origin: unknown.

Institute for Clinical Genetics, University Hospital TU Dresden, University Hospital TU Dresden
Classification: Likely benign. Last evaluated: 2021-11-03. Review status: criteria provided, single submitter. Criteria: ACMG Guidelines, 2015. Collection method: clinical testing. Allele origin: germline.

Sema4
Classification: Benign for Hereditary cancer-predisposing syndrome. Last evaluated: 2020-08-26. Review status: criteria provided, single submitter. Criteria: Sema4 Curation Guidelines. Collection method: curation. Allele origin: germline.

Mendelics
Classification: Likely benign for Breast-ovarian cancer, familial, susceptibility to, 4. Last evaluated: 2019-05-28. Review status: criteria provided, single submitter. Criteria: Mendelics Assertion Criteria 2017. Collection method: clinical testing. Allele origin: unknown.

Color Diagnostics, LLC DBA Color Health
Classification: Likely benign for Hereditary cancer-predisposing syndrome. Last evaluated: 2015-01-20. Review status: criteria provided, single submitter. Criteria: ACMG Guidelines, 2015. Collection method: clinical testing. Allele origin: germline.

GeneDx
Classification: Benign. Last evaluated: 2014-01-17. Review status: criteria provided, single submitter. Criteria: GeneDx Variant Classification (06012015). Collection method: clinical testing. Allele origin: germline. Affected: yes.
Comment: This variant is considered likely benign or benign based on one or more of the following criteria: it is a conservative change, it occurs at a poorly conserved position in the protein, it is predicted to be benign by multiple in silico algorithms, and/or has population frequency not consistent with disease.

PreventionGenetics, part of Exact Sciences
Classification: Likely benign for RAD51D-related condition. Last evaluated: 2020-05-15. Review status: no assertion criteria provided. Collection method: clinical testing. Allele origin: germline. Not counted in ClinVar's aggregate classification.
Comment: This variant is classified as likely benign based on ACMG/AMP sequence variant interpretation guidelines (Richards et al. 2015 PMID: 25741868, with internal and published modifications).

True Health Diagnostics
Classification: Likely benign for Hereditary cancer-predisposing syndrome. Last evaluated: 2018-02-27. Review status: no assertion criteria provided. Collection method: clinical testing. Allele origin: germline. Not counted in ClinVar's aggregate classification.

Counsyl
Classification: Likely benign for Breast-ovarian cancer, familial, susceptibility to, 4. Last evaluated: 2016-06-09. Review status: no assertion criteria provided. Collection method: clinical testing. Allele origin: unknown. Not counted in ClinVar's aggregate classification.

NM_002878.4(RAD51D):c.263+1588A>G

Genes: RAD51D (RAD51 paralog D; minus strand), RAD51L3-RFFL (RAD51L3-RFFL readthrough; minus strand). Cytogenetic location: 17q12.
Variant type: single nucleotide variant.
Coding change: c.263+1588A>G on transcript NM_002878.4 (MANE Select); 1588 bases into the intron after coding-DNA position 263, A replaced by G.
Molecular consequence: intron variant. On other transcripts: missense variant (1).
Genome position (GRCh38, 1-based): chr17:35,116,913, T>C on the plus strand (A>G on the coding strand, the complement: RAD51D is on the minus strand). VCF-style: chr17-35116913-T-C. GRCh37 (hg19) VCF-style: chr17-33443932-T-C.
Other names: p.D90G:GAT>GGT; c.269A>G, p.Asp90Gly (NM_001142571.2); c.144+2198A>G (NM_133629.3); short protein forms D90G.
Identifiers: ClinVar variation 138879 (VCV000138879.69), dbSNP rs180869630, ClinGen allele CA293041.